The following is an entry in ClinVar:

NM_006059.4(LAMC3):c.1651C>T (p.Arg551Trp)

Genes: LAMC3 (laminin subunit gamma 3; plus strand), LOC126860777 (BRD4-independent group 4 enhancer GRCh37_chr9:133927058-133928257; plus strand). Cytogenetic location: 9q34.12.
Variant type: single nucleotide variant.
Coding change: c.1651C>T on transcript NM_006059.4 (MANE Select); coding-DNA position 1651, C replaced by T.
Protein change: p.Arg551Trp; replaces arginine 551 with tryptophan.
Molecular consequence: missense variant.
Genome position (GRCh38, 1-based): chr9:131,052,511, C>T. VCF-style: chr9-131052511-C-T. GRCh37 (hg19) VCF-style: chr9-133927898-C-T.
Other names: c.1651C>T (NM_006059.3); short protein forms R551W.
Identifiers: ClinVar variation 2229595 (VCV002229595.5), dbSNP rs746756940, ClinGen allele CA5287157.
Genomic context (GRCh38, chr9:131,052,511, plus strand): 5'-CCATATGAAGACTGTCAAAGCCTTCTTCTCTTGTCTTCAGAGAAGTTCCTGGGAGACCAG[C>T]GGTTCAGCTATGGGCAGCCCCTCATACTGACCTTCCGGGTGCCCCCCGGGGACTCCCCAC-3'
Protein context (NP_006050.3, residues 541-561): TAPEKFLGDQ[Arg551Trp]FSYGQPLILT

ClinVar aggregate classification (germline): Uncertain significance. Review status: criteria provided, multiple submitters, no conflicts (2 of 4 stars). 2 submissions from 2 submitters: Uncertain significance (2). Last evaluated 2024-12-04.

Conditions:
Inborn genetic diseases. Identifiers: MedGen C0950123, MeSH D030342.

Allele frequency attached by ClinVar (database versions not stated): ExAC 0.00002.
gnomAD v4.1: 36 of 1,613,974 alleles (0.0022%); highest among the groups gnomAD compares: African/African-American, 0.0053%; no homozygotes.

Submissions (2):

Ambry Genetics
Classification: Uncertain significance for Inborn genetic diseases. Last evaluated: 2024-12-04. Review status: criteria provided, single submitter. Criteria: Ambry Variant Classification Scheme 2023. Collection method: clinical testing. Allele origin: germline.
Comment: The c.1651C>T (p.R551W) alteration is located in exon 10 (coding exon 10) of the LAMC3 gene. This alteration results from a C to T substitution at nucleotide position 1651, causing the arginine (R) at amino acid position 551 to be replaced by a tryptophan (W). The p.R551W alteration is predicted to be tolerated by in silico analysis. Based on insufficient or conflicting evidence, the clinical significance of this alteration remains unclear.

Labcorp Genetics (formerly Invitae), Labcorp
Classification: Uncertain significance. Last evaluated: 2022-02-09. Review status: criteria provided, single submitter. Criteria: Invitae Variant Classification Sherloc (09022015). Collection method: clinical testing. Allele origin: germline.
Comment: This sequence change replaces arginine, which is basic and polar, with tryptophan, which is neutral and slightly polar, at codon 551 of the LAMC3 protein (p.Arg551Trp). This variant is present in population databases (rs746756940, gnomAD 0.02%). This variant has not been reported in the literature in individuals affected with LAMC3-related conditions. Algorithms developed to predict the effect of missense changes on protein structure and function are either unavailable or do not agree on the potential impact of this missense change (SIFT: "Deleterious"; PolyPhen-2: "Probably Damaging"; Align-GVGD: "Class C0"). In summary, the available evidence is currently insufficient to determine the role of this variant in disease. Therefore, it has been classified as a Variant of Uncertain Significance.